The following is an entry in ClinVar:

ClinVar aggregate classification (germline): Pathogenic (1 of 4 stars; one submission).

Conditions:
Microcephaly, normal intelligence and immunodeficiency (NBS). Also called: IMMUNODEFICIENCY, MICROCEPHALY, AND CHROMOSOMAL INSTABILITY; SEEMANOVA SYNDROME II; Nijmegen breakage syndrome; Microcephaly with normal intelligence immunodeficiency and lymphoreticular malignancies; Nonsyndromal microcephaly autosomal recessive with normal intelligence; Seemanova syndrome 2. Identifiers: Orphanet 647, MedGen C0398791, MONDO:0009623, OMIM 251260.

Submission:

Myriad Genetics, Inc.
Classification: Pathogenic for Microcephaly, normal intelligence and immunodeficiency. Last evaluated: 2024-05-01. Review status: criteria provided, single submitter. Criteria: Myriad Autosomal Dominant, Autosomal Recessive and X-Linked Classification Criteria (2023). Collection method: clinical testing. Allele origin: unknown.
Comment: NM_002485.4(NBN):c.1389delC(R466Gfs*18) is expected to be pathogenic in the context of Nijmegen breakage syndrome. This variant is predicted to lead to an abnormal or absent protein product due to the creation of a premature termination codon in NBN, a gene where loss-of-function variants are known to be pathogenic. Please note: this variant was assessed in the context of healthy population screening.

NM_002485.5(NBN):c.1389del (p.Arg466fs)

Gene: NBN (nibrin; minus strand). Cytogenetic location: 8q21.3.
Variant type: Deletion.
Coding change: c.1389del on transcript NM_002485.5 (MANE Select); coding-DNA position 1389, one base deleted (C; older notation c.1389delC).
Protein change: p.Arg466fs; shifts the reading frame from arginine 466.
Molecular consequence: frameshift variant.
Genome position (GRCh38, 1-based): chr8:89,955,291, G deleted on the plus strand (C on the coding strand, the reverse complement: NBN is on the minus strand); the first of 2 consecutive G bases (chr8:89,955,291-89,955,292); deleting either gives the same sequence. VCF-style (leftmost placement, unchanged base first): chr8-89955290-TG-T. GRCh37 (hg19) VCF-style: chr8-90967518-TG-T.
Other names: c.1143del, p.Arg384fs (NM_001024688.3, NM_001440379.1, NM_001440380.1); short protein forms R384fs, R466fs.
Identifiers: ClinVar variation 5012989 (VCV005012989.1).